The following is an entry in ClinVar:

NM_024870.4(PREX2):c.-4G>C

Gene: PREX2 (phosphatidylinositol-3,4,5-trisphosphate dependent Rac exchange factor 2; plus strand). Cytogenetic location: 8q13.2.
Variant type: single nucleotide variant.
Coding change: c.-4G>C on transcript NM_024870.4 (MANE Select); 4 bases upstream of the start codon, G replaced by C.
Molecular consequence: 5 prime UTR variant.
Genome position (GRCh38, 1-based): chr8:67,952,391, G>C. VCF-style: chr8-67952391-G-C. GRCh37 (hg19) VCF-style: chr8-68864626-G-C.
Other names: c.-4G>C (NM_024870.3, NM_025170.6).
Identifiers: ClinVar variation 2658641 (VCV002658641.25), dbSNP rs367860419, ClinGen allele CA4773152.

ClinVar aggregate classification (germline): Likely benign. Review status: criteria provided, single submitter (1 of 4 stars). 2 submissions from 2 submitters: Likely benign (1). 1 of the submissions does not count toward it. Last evaluated 2022-11-01.

Conditions:
PREX2-related disorder. Also called: PREX2-related condition.

Allele frequency attached by ClinVar (database versions not stated): 1000 Genomes Project 0.00080; 1000 Genomes Project 30x 0.00109; ESP Exome Variant Server 0.00230; gnomAD 0.00377; ExAC 0.01001.
gnomAD v4.1: 7,825 of 1,539,962 alleles (0.51%); highest among the groups gnomAD compares: South Asian, 0.81%; 37 homozygotes.

Submissions (2):

CeGaT Center for Human Genetics Tuebingen
Classification: Likely benign. Last evaluated: 2022-11-01. Review status: criteria provided, single submitter. Criteria: CeGaT Center For Human Genetics Tuebingen Variant Classification Criteria Version 2. Collection method: clinical testing. Allele origin: germline. Affected: yes. Observed: 3 variant alleles.
Comment: PREX2: BP4, BS2

PreventionGenetics, part of Exact Sciences
Classification: Benign for PREX2-related condition. Last evaluated: 2019-02-18. Review status: no assertion criteria provided. Collection method: clinical testing. Allele origin: germline. Not counted in ClinVar's aggregate classification.
Comment: This variant is classified as benign based on ACMG/AMP sequence variant interpretation guidelines (Richards et al. 2015 PMID: 25741868, with internal and published modifications).